The following is an entry in ClinVar:

ClinVar aggregate classification (germline): Uncertain significance (0 of 4 stars; one submission).

Conditions:
ACVR1-related disorder. Also called: ACVR1-related condition.

Submission:

PreventionGenetics, part of Exact Sciences
Classification: Uncertain significance for ACVR1-related condition. Last evaluated: 2024-02-28. Review status: no assertion criteria provided. Collection method: clinical testing. Allele origin: germline.
Comment: The ACVR1 c.106G>C variant is predicted to result in the amino acid substitution p.Val36Leu. To our knowledge, this variant has not been reported in the literature or in a large population database, indicating this variant is rare. At this time, the clinical significance of this variant is uncertain due to the absence of conclusive functional and genetic evidence.

NM_001111067.4(ACVR1):c.106G>C (p.Val36Leu)

Gene: ACVR1 (activin A receptor type 1; minus strand). Cytogenetic location: 2q24.1.
Variant type: single nucleotide variant.
Coding change: c.106G>C on transcript NM_001111067.4 (MANE Select); coding-DNA position 106, G replaced by C.
Protein change: p.Val36Leu; replaces valine 36 with leucine.
Molecular consequence: missense variant.
Genome position (GRCh38, 1-based): chr2:157,780,562, C>G on the plus strand (G>C on the coding strand, the complement: ACVR1 is on the minus strand). VCF-style: chr2-157780562-C-G. GRCh37 (hg19) VCF-style: chr2-158637074-C-G.
Other names: c.106G>C, p.Val36Leu (NM_001105.5, NM_001347663.1, NM_001347664.1 and 3 more transcripts); short protein forms V36L.
Identifiers: ClinVar variation 3061425 (VCV003061425.2), dbSNP rs2467967930, ClinGen allele CA349193993.